The following is an entry in ClinVar:

ClinVar aggregate classification (germline): Uncertain significance. Review status: criteria provided, multiple submitters, no conflicts (2 of 4 stars). 2 submissions from 2 submitters: Uncertain significance (2). Last evaluated 2025-10-19.

Conditions:
Autoimmune lymphoproliferative syndrome type 2A (ALPS2A). Also called: CASP10-Related Autoimmune Lymphoproliferative Syndrome; AUTOIMMUNE LYMPHOPROLIFERATIVE SYNDROME, TYPE IIA; Autoimmune lymphoproliferative syndrome type 2. Identifiers: Orphanet 3261, MedGen C1858968, MONDO:0011383, OMIM 603909.

gnomAD v4.1: 1 of 1,614,020 alleles (0.000062%); no homozygotes.

Submissions (2):

Labcorp Genetics (formerly Invitae), Labcorp
Classification: Uncertain significance for Autoimmune lymphoproliferative syndrome type 2A. Last evaluated: 2025-10-19. Review status: criteria provided, single submitter. Criteria: Invitae Variant Classification Sherloc (09022015). Collection method: clinical testing. Allele origin: germline.
Comment: This sequence change replaces phenylalanine, which is neutral and non-polar, with valine, which is neutral and non-polar, at codon 294 of the CASP10 protein (p.Phe294Val). This variant is not present in population databases (gnomAD no frequency). This variant has not been reported in the literature in individuals affected with CASP10-related conditions. ClinVar contains an entry for this variant (Variation ID: 3752223). Invitae Evidence Modeling of protein sequence and biophysical properties (such as structural, functional, and spatial information, amino acid conservation, physicochemical variation, residue mobility, and thermodynamic stability) indicates that this missense variant is expected to disrupt CASP10 protein function with a positive predictive value of 80%. In summary, the available evidence is currently insufficient to determine the role of this variant in disease. Therefore, it has been classified as a Variant of Uncertain Significance.

Ambry Genetics
Classification: Uncertain significance. Last evaluated: 2025-08-03. Review status: criteria provided, single submitter. Criteria: Ambry Variant Classification Scheme 2023. Collection method: clinical testing. Allele origin: germline.

NM_032977.4(CASP10):c.880T>G (p.Phe294Val)

Gene: CASP10 (caspase 10; plus strand). Cytogenetic location: 2q33.1.
Variant type: single nucleotide variant.
Coding change: c.880T>G on transcript NM_032977.4 (MANE Select); coding-DNA position 880, T replaced by G.
Protein change: p.Phe294Val; replaces phenylalanine 294 with valine.
Molecular consequence: missense variant. On other transcripts: intron variant (1).
Genome position (GRCh38, 1-based): chr2:201,208,141, T>G. VCF-style: chr2-201208141-T-G. GRCh37 (hg19) VCF-style: chr2-202072864-T-G.
Other names: c.751T>G, p.Phe251Val (NM_001206542.2, NM_001230.5); c.880T>G, p.Phe294Val (NM_032974.5); c.788T>G, p.Leu263Arg (NM_032976.4); c.722-929T>G (NM_001206524.2); short protein forms F251V, F294V, L263R.
Identifiers: ClinVar variation 3752223 (VCV003752223.3).